The following is an entry in ClinVar:

ClinVar aggregate classification (germline): Uncertain significance. Review status: criteria provided, multiple submitters, no conflicts (2 of 4 stars). 2 submissions from 2 submitters: Uncertain significance (2). Last evaluated 2025-07-18.

Conditions:
Hereditary cancer-predisposing syndrome. Also called: Neoplastic Syndromes, Hereditary; Tumor predisposition; Hereditary Cancer Syndrome; Hereditary neoplastic syndrome. Identifiers: Orphanet 140162, MedGen C0027672, MeSH D009386, MONDO:0015356.
POLD1-related polyposis and colorectal cancer syndrome (CRCS10). Also called: Colorectal cancer 10; COLORECTAL CANCER, SUSCEPTIBILITY TO, ON CHROMOSOME 19q; Colorectal cancer, susceptibility to, 10. Identifiers: Orphanet 220460, MedGen C2675481, MONDO:0012953, OMIM 612591.

gnomAD v4.1: 1 of 1,613,856 alleles (0.000062%); highest among the groups gnomAD compares: Non-Finnish European, 0.000085%; no homozygotes.

Submissions (2):

Ambry Genetics
Classification: Uncertain significance for Hereditary cancer-predisposing syndrome. Last evaluated: 2025-07-18. Review status: criteria provided, single submitter. Criteria: Ambry Variant Classification Scheme 2023. Collection method: clinical testing. Allele origin: germline.
Comment: The c.1383+1G>T intronic variant results from a G to T substitution one nucleotide after coding exon 10 of the POLD1 gene. This nucleotide position is highly conserved in available vertebrate species. In silico splice site analysis predicts that this alteration will weaken the native splice donor site and will result in the creation or strengthening of a novel splice donor site. Alterations that disrupt the canonical splice site are expected to cause aberrant splicing, resulting in an abnormal protein or a transcript that is subject to nonsense-mediated mRNA decay. However, loss of function of POLD1 has not been established as a mechanism of disease. Based on the available evidence, the clinical significance of this alteration remains unclear.

Labcorp Genetics (formerly Invitae), Labcorp
Classification: Uncertain significance for POLD1-related polyposis and colorectal cancer syndrome. Last evaluated: 2024-03-13. Review status: criteria provided, single submitter. Criteria: Invitae Variant Classification Sherloc (09022015). Collection method: clinical testing. Allele origin: germline.
Comment: This sequence change affects a donor splice site in intron 11 of the POLD1 gene. Missense variants that disrupt the 3'-5' exonuclease (proof-reading) activity of the POLD1 protein are associated with PPAP (polymerase proofreading–associated polyposis) (PMID: 23263490, 23447401). However, loss-of-function variants that result in an absent or severely disrupted POLD1 protein, and missense variants outside the exonuclease domain, are unlikely to be associated with PPAP. This variant is not present in population databases (gnomAD no frequency). This variant has not been reported in the literature in individuals affected with POLD1-related conditions. Studies have shown that disruption of this splice site is associated with altered splicing resulting in multiple RNA products (Invitae). In summary, the available evidence is currently insufficient to determine the role of this variant in disease. Therefore, it has been classified as a Variant of Uncertain Significance.

Literature cited by the submitters: PubMed 23263490 (cited by Labcorp Genetics (formerly Invitae), Labcorp); PubMed 23447401 (cited by Labcorp Genetics (formerly Invitae), Labcorp).

NM_002691.4(POLD1):c.1383+1G>T

Gene: POLD1 (DNA polymerase delta 1, catalytic subunit; plus strand). Cytogenetic location: 19q13.33.
Variant type: single nucleotide variant.
Coding change: c.1383+1G>T on transcript NM_002691.4 (MANE Select); the canonical splice donor site of the intron after coding-DNA position 1383, G replaced by T.
Molecular consequence: splice donor variant.
Genome position (GRCh38, 1-based): chr19:50,406,323, G>T. VCF-style: chr19-50406323-G-T. GRCh37 (hg19) VCF-style: chr19-50909580-G-T.
Other names: c.1383+1G>T (NM_001256849.1, NM_001308632.1, NM_002691.2).
Identifiers: ClinVar variation 3707281 (VCV003707281.3).